The following is an entry in ClinVar:

NM_001048174.2(MUTYH):c.1160T>G (p.Leu387Arg)

Gene: MUTYH (mutY DNA glycosylase; minus strand). Cytogenetic location: 1p34.1.
Variant type: single nucleotide variant.
Coding change: c.1160T>G on transcript NM_001048174.2 (MANE Select); coding-DNA position 1160, T replaced by G.
Protein change: p.Leu387Arg; replaces leucine 387 with arginine.
Molecular consequence: missense variant. On other transcripts: non-coding transcript variant (7).
Genome position (GRCh38, 1-based): chr1:45,331,499, A>C on the plus strand (T>G on the coding strand, the complement: MUTYH is on the minus strand). VCF-style: chr1-45331499-A-C. GRCh37 (hg19) VCF-style: chr1-45797171-A-C.
Other names: c.1160T>G, p.Leu387Arg (NM_001048171.2, NM_001048173.2, NM_001293195.2 and 6 more transcripts); c.1163T>G, p.Leu388Arg (NM_001048172.2, NM_001407071.1, NM_001407078.1 and 1 more transcripts); c.1244T>G, p.Leu415Arg (NM_001128425.2); c.1205T>G, p.Leu402Arg (NM_001293190.2); c.1193T>G, p.Leu398Arg (NM_001293191.2, NM_001407069.1, NM_001407077.1); c.884T>G, p.Leu295Arg (NM_001293192.2, NM_001293196.2, NM_001407091.1); c.815T>G, p.Leu272Arg (NM_001350650.2, NM_001350651.2, NM_001407082.1); c.1076T>G, p.Leu359Arg (NM_001407075.1); and 5 more; short protein forms L373R, L374R, L387R, L402R, L415R, L359R, L272R, L388R.
Identifiers: ClinVar variation 4112823 (VCV004112823.1).

ClinVar aggregate classification (germline): Uncertain significance (1 of 4 stars; one submission).

Conditions:
Hereditary cancer-predisposing syndrome. Also called: Tumor predisposition; Neoplastic Syndromes, Hereditary; Hereditary neoplastic syndrome; Hereditary Cancer Syndrome. Identifiers: Orphanet 140162, MedGen C0027672, MeSH D009386, MONDO:0015356.

Submission:

Ambry Genetics
Classification: Uncertain significance for Hereditary cancer-predisposing syndrome. Last evaluated: 2025-08-27. Review status: criteria provided, single submitter. Criteria: Ambry Variant Classification Scheme 2023. Collection method: clinical testing. Allele origin: germline.
Comment: The p.L415R variant (also known as c.1244T>G), located in coding exon 13 of the MUTYH gene, results from a T to G substitution at nucleotide position 1244. The leucine at codon 415 is replaced by arginine, an amino acid with dissimilar properties. This amino acid position is conserved. In addition, this alteration is predicted to be tolerated by in silico analysis. Based on the available evidence, the clinical significance of this variant remains unclear.